The following is an entry in ClinVar:

ClinVar aggregate classification (germline): Uncertain significance (1 of 4 stars; one submission).

gnomAD v4.1: 35 of 1,614,170 alleles (0.0022%); highest among the groups gnomAD compares: Non-Finnish European, 0.0029%; no homozygotes.

Submission:

Labcorp Genetics (formerly Invitae), Labcorp
Classification: Uncertain significance. Last evaluated: 2024-12-15. Review status: criteria provided, single submitter. Criteria: Invitae Variant Classification Sherloc (09022015). Collection method: clinical testing. Allele origin: germline.
Comment: This sequence change replaces isoleucine, which is neutral and non-polar, with phenylalanine, which is neutral and non-polar, at codon 1173 of the ARID1A protein (p.Ile1173Phe). This variant is present in population databases (rs200341895, gnomAD 0.003%). This variant has not been reported in the literature in individuals affected with ARID1A-related conditions. Invitae Evidence Modeling of protein sequence and biophysical properties (such as structural, functional, and spatial information, amino acid conservation, physicochemical variation, residue mobility, and thermodynamic stability) indicates that this missense variant is not expected to disrupt ARID1A protein function with a negative predictive value of 80%. In summary, the available evidence is currently insufficient to determine the role of this variant in disease. Therefore, it has been classified as a Variant of Uncertain Significance.

NM_006015.6(ARID1A):c.3517A>T (p.Ile1173Phe)

Genes: ARID1A (AT-rich interaction domain 1A; plus strand), LOC126805670 (CDK7 strongly-dependent group 2 enhancer GRCh37_chr1:27098665-27099864; plus strand). Cytogenetic location: 1p36.11.
Variant type: single nucleotide variant.
Coding change: c.3517A>T on transcript NM_006015.6 (MANE Select); coding-DNA position 3517, A replaced by T.
Protein change: p.Ile1173Phe; replaces isoleucine 1173 with phenylalanine.
Molecular consequence: missense variant.
Genome position (GRCh38, 1-based): chr1:26,772,610, A>T. VCF-style: chr1-26772610-A-T. GRCh37 (hg19) VCF-style: chr1-27099101-A-T.
Other names: c.3517A>T, p.Ile1173Phe (NM_139135.4); short protein forms I1173F.
Identifiers: ClinVar variation 3606827 (VCV003606827.2).
Genomic context (GRCh38, chr1:26,772,610, plus strand): 5'-TCCATGGCAGAAGGAGGAGACTTAAAGCCACCAACTCCAGCATCCACACCACACAGTCAG[A>T]TCCCCCCATTGCCAGGCATGAGGTAAGGCCAAGAGCAGGGGCAGATGGTTGGGAGGATGG-3'
Protein context (NP_006006.3, residues 1163-1183): PTPASTPHSQ[Ile1173Phe]PPLPGMSRSN